The following is an entry in ClinVar:

NM_007289.4(MME):c.1771G>A (p.Asp591Asn)

Gene: MME (membrane metalloendopeptidase; plus strand). Cytogenetic location: 3q25.2.
Variant type: single nucleotide variant.
Coding change: c.1771G>A on transcript NM_007289.4 (MANE Select); coding-DNA position 1771, G replaced by A.
Protein change: p.Asp591Asn; replaces aspartic acid 591 with asparagine.
Molecular consequence: missense variant.
Genome position (GRCh38, 1-based): chr3:155,167,012, G>A. VCF-style: chr3-155167012-G-A. GRCh37 (hg19) VCF-style: chr3-154884801-G-A.
Other names: c.1771G>A, p.Asp591Asn (NM_000902.5, NM_001354642.2, NM_001354643.1 and 2 more transcripts); short protein forms D591N.
Identifiers: ClinVar variation 426199 (VCV000426199.6), dbSNP rs1028833096, ClinGen allele CA86315586.

ClinVar aggregate classification (germline): Uncertain significance. Review status: criteria provided, multiple submitters, no conflicts (2 of 4 stars). 2 submissions from 2 submitters: Uncertain significance (2). Last evaluated 2026-10-14.

Allele frequency attached by ClinVar (database versions not stated): gnomAD exomes below 0.00001 and 0.00004; gnomAD 0.00001.
gnomAD v4.1: 62 of 1,613,448 alleles (0.0038%); highest among the groups gnomAD compares: Middle Eastern, 0.016%; no homozygotes.

Submissions (2):

GeneDx
Classification: Uncertain significance. Last evaluated: 2026-10-14. Review status: criteria provided, single submitter. Criteria: GeneDx Variant Classification Process June 2021. Collection method: clinical testing. Allele origin: germline.
Comment: Reported in the heteroygous state in an individual with sporadic Charcot-Marie-Tooth neuropathy type 2 and in an individual with sporadic amyotrophic lateral sclerosis; the authors suggest this variant is possibly pathogenic and a dominant risk factor (PMID: 33144514); In silico analysis supports that this missense variant has a deleterious effect on protein structure/function; Not observed at significant frequency in large population cohorts (gnomAD); This variant is associated with the following publications: (PMID: 33144514)

Labcorp Genetics (formerly Invitae), Labcorp
Classification: Uncertain significance. Last evaluated: 2022-04-25. Review status: criteria provided, single submitter. Criteria: Invitae Variant Classification Sherloc (09022015). Collection method: clinical testing. Allele origin: germline.
Comment: This sequence change replaces aspartic acid, which is acidic and polar, with asparagine, which is neutral and polar, at codon 591 of the MME protein (p.Asp591Asn). This variant is present in population databases (no rsID available, gnomAD 0.006%). This variant has not been reported in the literature in individuals affected with MME-related conditions. ClinVar contains an entry for this variant (Variation ID: 426199). Algorithms developed to predict the effect of missense changes on protein structure and function are either unavailable or do not agree on the potential impact of this missense change (SIFT: "Deleterious"; PolyPhen-2: "Probably Damaging"; Align-GVGD: "Class C0"). In summary, the available evidence is currently insufficient to determine the role of this variant in disease. Therefore, it has been classified as a Variant of Uncertain Significance.